The following is an entry in ClinVar:

NM_004373.4(COX6A1):c.70A>G (p.Met24Val)

Gene: COX6A1 (cytochrome c oxidase subunit 6A1; plus strand). Cytogenetic location: 12q24.31.
Variant type: single nucleotide variant.
Coding change: c.70A>G on transcript NM_004373.4 (MANE Select); coding-DNA position 70, A replaced by G.
Protein change: p.Met24Val; replaces methionine 24 with valine.
Molecular consequence: missense variant.
Genome position (GRCh38, 1-based): chr12:120,438,196, A>G. VCF-style: chr12-120438196-A-G. GRCh37 (hg19) VCF-style: chr12-120875999-A-G.
Other names: c.70A>G (NM_004373.3); short protein forms M24V.
Identifiers: ClinVar variation 1589213 (VCV001589213.10), dbSNP rs148951026, ClinGen allele CA6827974.

ClinVar aggregate classification (germline): Likely benign. Review status: criteria provided, single submitter (1 of 4 stars). 2 submissions from 2 submitters: Likely benign (1). 1 of the submissions does not count toward it. Last evaluated 2025-10-01.

Conditions:
COX6A1-related disorder. Also called: COX6A1-related condition.

Allele frequency attached by ClinVar (database versions not stated): gnomAD 0.00008 and 0.00009; TOPMed 0.00010; ExAC 0.00012; ESP Exome Variant Server 0.00015.
gnomAD v4.1: 119 of 1,613,742 alleles (0.0074%); highest among the groups gnomAD compares: Non-Finnish European, 0.0019%; no homozygotes.

Submissions (2):

Labcorp Genetics (formerly Invitae), Labcorp
Classification: Likely benign. Last evaluated: 2025-10-01. Review status: criteria provided, single submitter. Criteria: Invitae Variant Classification Sherloc (09022015). Collection method: clinical testing. Allele origin: germline.

PreventionGenetics, part of Exact Sciences
Classification: Likely benign for COX6A1-related condition. Last evaluated: 2022-11-08. Review status: no assertion criteria provided. Collection method: clinical testing. Allele origin: germline. Not counted in ClinVar's aggregate classification.
Comment: This variant is classified as likely benign based on ACMG/AMP sequence variant interpretation guidelines (Richards et al. 2015 PMID: 25741868, with internal and published modifications).